The following is an entry in ClinVar:

NM_198994.3(TGM6):c.1336+37G>A

Gene: TGM6 (transglutaminase 6; plus strand). Cytogenetic location: 20p13.
Variant type: single nucleotide variant.
Coding change: c.1336+37G>A on transcript NM_198994.3 (MANE Select); 37 bases into the intron after coding-DNA position 1336, G replaced by A.
Molecular consequence: intron variant.
Genome position (GRCh38, 1-based): chr20:2,403,860, G>A. VCF-style: chr20-2403860-G-A. GRCh37 (hg19) VCF-style: chr20-2384506-G-A.
Other names: c.1336+37G>A (NM_001254734.2).
Identifiers: ClinVar variation 1678746 (VCV001678746.3), dbSNP rs151011799, ClinGen allele CA9732061.

ClinVar aggregate classification (germline): Likely benign. Review status: criteria provided, multiple submitters, no conflicts (2 of 4 stars). 2 submissions from 2 submitters: Likely benign (2). Last evaluated 2021-05-25.

Allele frequency attached by ClinVar (database versions not stated): 1000 Genomes Project 30x 0.00437; 1000 Genomes Project 0.00459; ESP Exome Variant Server 0.00638; gnomAD 0.00640 and 0.00650; TOPMed 0.00678; gnomAD exomes 0.00732 and 0.00938; ExAC 0.00803.
gnomAD v4.1: 14,591 of 1,613,606 alleles (0.9%); highest among the groups gnomAD compares: Middle Eastern, 2%; 107 homozygotes.

Submissions (2):

GeneDx
Classification: Likely benign. Last evaluated: 2021-05-25. Review status: criteria provided, single submitter. Criteria: GeneDx Variant Classification Process June 2021. Collection method: clinical testing. Allele origin: germline. Affected: yes.
Comment: See Variant Classification Assertion Criteria.

Breakthrough Genomics
Classification: Likely benign. Review status: criteria provided, single submitter. Criteria: ACMG Guidelines, 2015. Collection method: not provided. Allele origin: germline. Inheritance: Autosomal dominant inheritance. Affected: yes.